The following is an entry in ClinVar:

ClinVar aggregate classification (germline): Likely benign (0 of 4 stars; one submission).

Conditions:
MAPKBP1-related disorder. Also called: MAPKBP1-related condition.

Allele frequency attached by ClinVar (database versions not stated): gnomAD exomes below 0.00001.
gnomAD v4.1: 1 of 1,602,786 alleles (0.000062%); highest among the groups gnomAD compares: South Asian, 0.0011%; no homozygotes.

Submission:

PreventionGenetics, part of Exact Sciences
Classification: Likely benign for MAPKBP1-related condition. Last evaluated: 2022-12-04. Review status: no assertion criteria provided. Collection method: clinical testing. Allele origin: germline.
Comment: This variant is classified as likely benign based on ACMG/AMP sequence variant interpretation guidelines (Richards et al. 2015 PMID: 25741868, with internal and published modifications).

NM_014994.3(MAPKBP1):c.4246C>T (p.Leu1416=)

Gene: MAPKBP1 (mitogen-activated protein kinase binding protein 1; plus strand). Cytogenetic location: 15q15.1.
Variant type: single nucleotide variant.
Coding change: c.4246C>T on transcript NM_014994.3 (MANE Select); coding-DNA position 4246, C replaced by T.
Protein change: p.Leu1416=; no amino-acid change (leucine 1416 retained).
Molecular consequence: synonymous variant. On other transcripts: non-coding transcript variant (2).
Genome position (GRCh38, 1-based): chr15:41,824,516, C>T. VCF-style: chr15-41824516-C-T. GRCh37 (hg19) VCF-style: chr15-42116714-C-T.
Other names: c.4264C>T, p.Leu1422= (NM_001128608.2); c.3415C>T, p.Leu1139= (NM_001265611.2).
Identifiers: ClinVar variation 3043651 (VCV003043651.2), dbSNP rs2551108275, ClinGen allele CA489842455.